The following is an entry in ClinVar:

NM_022765.4(MICAL1):c.415G>A (p.Gly139Ser)

Gene: MICAL1 (microtubule associated monooxygenase, calponin and LIM domain containing 1; minus strand). Cytogenetic location: 6q21.
Variant type: single nucleotide variant.
Coding change: c.415G>A on transcript NM_022765.4 (MANE Select); coding-DNA position 415, G replaced by A.
Protein change: p.Gly139Ser; replaces glycine 139 with serine.
Molecular consequence: missense variant.
Genome position (GRCh38, 1-based): chr6:109,453,689, C>T on the plus strand (G>A on the coding strand, the complement: MICAL1 is on the minus strand). VCF-style: chr6-109453689-C-T. GRCh37 (hg19) VCF-style: chr6-109774892-C-T.
Other names: c.415G>A, p.Gly139Ser (NM_001159291.2); c.472G>A, p.Gly158Ser (NM_001286613.2); c.415G>A (NM_022765.3); short protein forms G139S, G158S.
Identifiers: ClinVar variation 2068526 (VCV002068526.4), dbSNP rs777061783, ClinGen allele CA3953792.
Genomic context (GRCh38, chr6:109,453,689, plus strand): 5'-GGTGCTCACTGATGTGGTCCAGGGTGCCGGTGCAGAAGCGCCCGTAGAACTTCTTAGCAC[C>T]GAGTGCCCGCAGGTCGTGGATGGTGAAGGGCCAGAGGTGGAGCACGTTGTGGCGAGAGAA-3'
Protein context (NP_073602.3, residues 129-149): PFTIHDLRAL[Gly139Ser]AKKFYGRFCT

ClinVar aggregate classification (germline): Uncertain significance. Review status: criteria provided, multiple submitters, no conflicts (2 of 4 stars). 2 submissions from 2 submitters: Uncertain significance (2). Last evaluated 2025-12-22.

Allele frequency attached by ClinVar (database versions not stated): ExAC 0.00002; gnomAD 0.00003; gnomAD exomes 0.00003; TOPMed 0.00005.
gnomAD v4.1: 53 of 1,613,672 alleles (0.0033%); highest among the groups gnomAD compares: Admixed American, 0.025%; no homozygotes.

Submissions (2):

Labcorp Genetics (formerly Invitae), Labcorp
Classification: Uncertain significance. Last evaluated: 2025-12-22. Review status: criteria provided, single submitter. Criteria: Invitae Variant Classification Sherloc (09022015). Collection method: clinical testing. Allele origin: germline.
Comment: This sequence change replaces glycine, which is neutral and non-polar, with serine, which is neutral and polar, at codon 158 of the MICAL1 protein (p.Gly158Ser). This variant is present in population databases (rs777061783, gnomAD 0.03%), and has an allele count higher than expected for a pathogenic variant. This variant has not been reported in the literature in individuals affected with MICAL1-related conditions. ClinVar contains an entry for this variant (Variation ID: 2068526). An algorithm developed to predict the effect of missense changes on protein structure and function (PolyPhen-2) suggests that this variant is likely to be disruptive. In summary, the available evidence is currently insufficient to determine the role of this variant in disease. Therefore, it has been classified as a Variant of Uncertain Significance.

Ambry Genetics
Classification: Uncertain significance. Last evaluated: 2025-08-14. Review status: criteria provided, single submitter. Criteria: Ambry Variant Classification Scheme 2023. Collection method: clinical testing. Allele origin: germline.